The following is an entry in ClinVar:

ClinVar aggregate classification (germline): Benign/Likely benign. Review status: criteria provided, multiple submitters, no conflicts (2 of 4 stars). 5 submissions from 5 submitters: Benign (2); Likely benign (3). Last evaluated 2025-12-01.

Conditions:
Inborn genetic diseases. Identifiers: MedGen C0950123, MeSH D030342.

Allele frequency attached by ClinVar (database versions not stated): ExAC 0.00036; gnomAD 0.00038 and 0.00044; TOPMed 0.00069; gnomAD exomes 0.00140; 1000 Genomes Project 30x 0.00156; 1000 Genomes Project 0.00200.
gnomAD v4.1: 402 of 1,534,566 alleles (0.026%); highest among the groups gnomAD compares: East Asian, 0.92%; 1 homozygote.

Submissions (5):

Labcorp Genetics (formerly Invitae), Labcorp
Classification: Benign. Last evaluated: 2025-12-01. Review status: criteria provided, single submitter. Criteria: Invitae Variant Classification Sherloc (09022015). Collection method: clinical testing. Allele origin: germline.

CeGaT Center for Human Genetics Tuebingen
Classification: Likely benign. Last evaluated: 2025-10-01. Review status: criteria provided, single submitter. Criteria: CeGaT Center For Human Genetics Tuebingen Variant Classification Criteria Version 2. Collection method: clinical testing. Allele origin: germline. Affected: yes. Observed: 1 variant allele.
Comment: PIEZO1: BP4

ARUP Laboratories, Molecular Genetics and Genomics, ARUP Laboratories
Classification: Likely benign. Last evaluated: 2022-03-15. Review status: criteria provided, single submitter. Criteria: ARUP Molecular Germline Variant Investigation Process 2021. Collection method: clinical testing. Allele origin: germline.

Ambry Genetics
Classification: Likely benign for Inborn genetic diseases. Last evaluated: 2022-02-10. Review status: criteria provided, single submitter. Criteria: Ambry Variant Classification Scheme 2023. Collection method: clinical testing. Allele origin: germline.

Breakthrough Genomics
Classification: Benign. Review status: criteria provided, single submitter. Criteria: ACMG Guidelines, 2015. Collection method: not provided. Allele origin: germline. Inheritance: Autosomal recessive inheritance. Affected: yes.

NM_001142864.4(PIEZO1):c.1112T>G (p.Val371Gly)

Genes: HSALR1 (HSP90AB1 associated lncRNA 1; plus strand), PIEZO1 (piezo type mechanosensitive ion channel component 1 (Er blood group); minus strand). Cytogenetic location: 16q24.3.
Variant type: single nucleotide variant.
Coding change: c.1112T>G on transcript NM_001142864.4 (MANE Select); coding-DNA position 1112, T replaced by G.
Protein change: p.Val371Gly; replaces valine 371 with glycine.
Molecular consequence: missense variant.
Genome position (GRCh38, 1-based): chr16:88,737,642, A>C on the plus strand (T>G on the coding strand, the complement: PIEZO1 is on the minus strand). VCF-style: chr16-88737642-A-C. GRCh37 (hg19) VCF-style: chr16-88804050-A-C.
Other names: c.1112T>G (NM_001142864.2); short protein forms V371G.
Identifiers: ClinVar variation 713961 (VCV000713961.18), dbSNP rs191302762, ClinGen allele CA8233108.